The following is an entry in ClinVar:

ClinVar aggregate classification (germline): Likely pathogenic (1 of 4 stars; one submission).

Conditions:
3M syndrome 2. Also called: 3-M Syndrome, OBSL1-Related; THREE M SYNDROME 2. Identifiers: Orphanet 2616, MedGen C2752041, MONDO:0013039, OMIM 612921.

gnomAD v4.1: 9 of 1,613,702 alleles (0.00056%); highest among the groups gnomAD compares: Admixed American, 0.0017%; no homozygotes.

Submission:

3billion
Classification: Likely pathogenic for 3M syndrome 2. Last evaluated: 2025-11-13. Review status: criteria provided, single submitter. Criteria: ACMG Guidelines, 2015. Collection method: clinical testing. Allele origin: germline. Affected: yes.
Comment: The variant is observed at an extremely low frequency in the gnomAD v4.1.0 dataset (total allele frequency: <0.001%). Predicted Consequence/Location: Stop-gained (nonsense): predicted to result in a loss or disruption of normal protein function through nonsense-mediated decay (NMD) or protein truncation. Multiple pathogenic variants are reported downstream of the variant. Therefore, this variant is classified as Likely pathogenic according to the recommendation of ACMG/AMP guideline.

NM_015311.3(OBSL1):c.2497C>T (p.Arg833Ter)

Gene: OBSL1 (obscurin like cytoskeletal adaptor 1; minus strand). Cytogenetic location: 2q35.
Variant type: single nucleotide variant.
Coding change: c.2497C>T on transcript NM_015311.3 (MANE Select); coding-DNA position 2497, C replaced by T.
Protein change: p.Arg833Ter; replaces arginine 833 with a stop codon.
Molecular consequence: nonsense.
Genome position (GRCh38, 1-based): chr2:219,563,538, G>A on the plus strand (C>T on the coding strand, the complement: OBSL1 is on the minus strand). VCF-style: chr2-219563538-G-A. GRCh37 (hg19) VCF-style: chr2-220428260-G-A.
Other names: c.2497C>T, p.Arg833Ter (NM_001173408.2, NM_001173431.2); short protein forms R833*.
Identifiers: ClinVar variation 4855721 (VCV004855721.1).
Genomic context (GRCh38, chr2:219,563,538, plus strand): 5'-CGAAGTCACTCTCCTCCACCTCCTGCCCGTCCTTGTACCAACGCACAGGGGCGTCCTCTC[G>A]GTCCACCTCACAGGCCAGCATGACACACTCGGAAGTTATGGCATGCACGAACACATGTTC-3'